The following is an entry in ClinVar:

NM_001384474.1(LOXHD1):c.3607C>T (p.Gln1203Ter)

Gene: LOXHD1 (lipoxygenase homology PLAT domains 1; minus strand). Cytogenetic location: 18q21.1.
Variant type: single nucleotide variant.
Coding change: c.3607C>T on transcript NM_001384474.1 (MANE Select); coding-DNA position 3607, C replaced by T.
Protein change: p.Gln1203Ter; replaces glutamine 1203 with a stop codon.
Molecular consequence: nonsense. On other transcripts: 5 prime UTR variant (1).
Genome position (GRCh38, 1-based): chr18:46,545,329, G>A on the plus strand (C>T on the coding strand, the complement: LOXHD1 is on the minus strand). VCF-style: chr18-46545329-G-A. GRCh37 (hg19) VCF-style: chr18-44125292-G-A.
Other names: c.274C>T, p.Gln92Ter (NM_001145472.3); c.-15C>T (NM_001308013.2); c.3607C>T, p.Gln1203Ter (NM_144612.7); short protein forms Q1203*, Q92*.
Identifiers: ClinVar variation 4816823 (VCV004816823.1).

ClinVar aggregate classification (germline): Likely pathogenic (1 of 4 stars; one submission).

Conditions:
Autosomal recessive nonsyndromic hearing loss 77. Identifiers: Orphanet 90636, MedGen C2746083, MONDO:0013119, OMIM 613079.

Submission:

Natera, Inc.
Classification: Likely pathogenic for Autosomal recessive deafness type 77. Last evaluated: 2025-05-15. Review status: criteria provided, single submitter. Criteria: Natera Variant Classification Schema (03/2026). Collection method: clinical testing. Allele origin: germline.
Comment: The c.3607C>T variant in LOXHD1 is a nonsense variant predicted to introduce a stop codon at amino acid 1203. This variant is expected to result in nonsense mediated decay, truncation, or a dysfunctional protein product. This variant is rare in the general population with a frequency below the threshold expected for the associated phenotype(s). Given the available evidence, this variant is classified as Likely Pathogenic.